The following is an entry in ClinVar:

ClinVar aggregate classification (germline): Uncertain significance. Review status: criteria provided, multiple submitters, no conflicts (2 of 4 stars). 2 submissions from 2 submitters: Uncertain significance (2). Last evaluated 2024-03-02.

Conditions:
Hereditary cancer-predisposing syndrome. Also called: Hereditary neoplastic syndrome; Tumor predisposition; Neoplastic Syndromes, Hereditary; Hereditary Cancer Syndrome. Identifiers: Orphanet 140162, MedGen C0027672, MeSH D009386, MONDO:0015356.

Submissions (2):

Labcorp Genetics (formerly Invitae), Labcorp
Classification: Uncertain significance. Last evaluated: 2024-03-02. Review status: criteria provided, single submitter. Criteria: Invitae Variant Classification Sherloc (09022015). Collection method: clinical testing. Allele origin: germline.
Comment: This sequence change replaces proline, which is neutral and non-polar, with leucine, which is neutral and non-polar, at codon 164 of the MSH3 protein (p.Pro164Leu). This variant is not present in population databases (gnomAD no frequency). This variant has not been reported in the literature in individuals affected with MSH3-related conditions. ClinVar contains an entry for this variant (Variation ID: 953289). An algorithm developed to predict the effect of missense changes on protein structure and function (PolyPhen-2) suggests that this variant is likely to be tolerated. In summary, the available evidence is currently insufficient to determine the role of this variant in disease. Therefore, it has been classified as a Variant of Uncertain Significance.

Ambry Genetics
Classification: Uncertain significance for Hereditary cancer-predisposing syndrome. Last evaluated: 2021-06-22. Review status: criteria provided, single submitter. Criteria: Ambry Variant Classification Scheme 2023. Collection method: clinical testing. Allele origin: germline.
Comment: The p.P164L variant (also known as c.491C>T), located in coding exon 3 of the MSH3 gene, results from a C to T substitution at nucleotide position 491. The proline at codon 164 is replaced by leucine, an amino acid with similar properties. This amino acid position is not well conserved in available vertebrate species. In addition, the in silico prediction for this alteration is inconclusive. Since supporting evidence is limited at this time, the clinical significance of this alteration remains unclear.

NM_002439.5(MSH3):c.491C>T (p.Pro164Leu)

Gene: MSH3 (mutS homolog 3; plus strand). Cytogenetic location: 5q14.1.
Variant type: single nucleotide variant.
Coding change: c.491C>T on transcript NM_002439.5 (MANE Select); coding-DNA position 491, C replaced by T.
Protein change: p.Pro164Leu; replaces proline 164 with leucine.
Molecular consequence: missense variant.
Genome position (GRCh38, 1-based): chr5:80,665,275, C>T. VCF-style: chr5-80665275-C-T. GRCh37 (hg19) VCF-style: chr5-79961094-C-T.
Other names: short protein forms P164L.
Identifiers: ClinVar variation 953289 (VCV000953289.12), dbSNP rs752700097, ClinGen allele CA360263846.